The following is an entry in ClinVar:

ClinVar aggregate classification (germline): Uncertain significance (1 of 4 stars; one submission).

Submission:

GeneDx
Classification: Uncertain significance. Last evaluated: 2025-03-26. Review status: criteria provided, single submitter. Criteria: GeneDx Variant Classification Process June 2021. Collection method: clinical testing. Allele origin: germline. Affected: yes.
Comment: Not observed at significant frequency in large population cohorts (gnomAD); In silico analysis supports that this missense variant has a deleterious effect on protein structure/function; Has not been previously published as pathogenic or benign to our knowledge

NM_001348323.3(TRIP12):c.6096G>A (p.Met2032Ile)

Gene: TRIP12 (thyroid hormone receptor interactor 12; minus strand). Cytogenetic location: 2q36.3.
Variant type: single nucleotide variant.
Coding change: c.6096G>A on transcript NM_001348323.3 (MANE Select); coding-DNA position 6096, G replaced by A.
Protein change: p.Met2032Ile; replaces methionine 2032 with isoleucine.
Molecular consequence: missense variant.
Genome position (GRCh38, 1-based): chr2:229,767,662, C>T on the plus strand (G>A on the coding strand, the complement: TRIP12 is on the minus strand). VCF-style: chr2-229767662-C-T. GRCh37 (hg19) VCF-style: chr2-230632378-C-T.
Other names: c.6015G>A, p.Met2005Ile (NM_001284214.2, NM_001348315.2); c.5970G>A, p.Met1990Ile (NM_001284215.2, NM_001348316.2); c.5061G>A, p.Met1687Ile (NM_001284216.2); c.5955G>A, p.Met1985Ile (NM_001348317.1, NM_001348318.2); c.6081G>A, p.Met2027Ile (NM_001348319.1, NM_001348320.2); c.6084G>A, p.Met2028Ile (NM_001348321.1); c.6096G>A, p.Met2032Ile (NM_001348322.1, NM_001348324.2, NM_001348325.2 and 2 more transcripts); c.6099G>A, p.Met2033Ile (NM_001348328.1, NM_001348329.2, NM_001348330.2); and 4 more; short protein forms M1958I, M1985I, M1990I, M2028I, M1957I, M2006I, M2027I, M2032I.
Identifiers: ClinVar variation 4087814 (VCV004087814.1).